The following is an entry in ClinVar:

ClinVar aggregate classification (germline): Uncertain significance (1 of 4 stars; one submission).

Conditions:
Neurofibromatosis, type 1 (NF1). Also called: Neurofibromatosis, type I; NEUROFIBROMATOSIS, TYPE I, SOMATIC; VON RECKLINGHAUSEN DISEASE; Peripheral type neurofibromatosis. Identifiers: Orphanet 636, MedGen C0027831, MONDO:0018975, OMIM 162200. Disease mechanism: loss of function.

Submission:

3billion
Classification: Uncertain significance for Neurofibromatosis, type 1. Last evaluated: 2022-05-22. Review status: criteria provided, single submitter. Criteria: ACMG Guidelines, 2015. Collection method: clinical testing. Allele origin: germline. Affected: yes. Observed: 1 heterozygote.
Comment: The variant is not observed in the gnomAD v2.1.1 dataset. In silico tools predict the variant to alter splicing and produce an abnormal transcript (SpliceAI: 0.71). The variant has been reported to be associated with NF1 related disorder (PMID: 31766501). However, the evidence of pathogenicity is insufficient at this time. Therefore, this variant is classified as uncertain significanceaccording to the recommendation of ACMG/AMP guideline.

Literature cited by the submitters: PubMed 31766501.

NM_001042492.3(NF1):c.586+4dup

Gene: NF1 (neurofibromin 1; plus strand). Cytogenetic location: 17q11.2.
Variant type: Duplication.
Coding change: c.586+4dup on transcript NM_001042492.3 (MANE Select); 4 bases into the intron after coding-DNA position 586, one base duplicated (A; older notation c.586+4dupA).
Molecular consequence: intron variant.
Genome position (GRCh38, 1-based): chr17:31,170,001, A duplicated; the last of 2 consecutive A bases (chr17:31,170,000-31,170,001); duplicating either gives the same sequence. VCF-style (leftmost placement, unchanged base first): chr17-31169999-T-TA. GRCh37 (hg19) VCF-style: chr17-29497017-T-TA.
Other names: c.586+4dup (NM_000267.4, NM_001128147.3).
Identifiers: ClinVar variation 1687600 (VCV001687600.1), dbSNP rs2143708312, ClinGen allele CA2573153525.